The following is an entry in ClinVar:

NM_016729.3(FOLR1):c.474G>C (p.Lys158Asn)

Genes: FOLR1-AS1 (FOLR1 antisense RNA 1; minus strand), FOLR1 (folate receptor alpha; plus strand). Cytogenetic location: 11q13.4.
Variant type: single nucleotide variant.
Coding change: c.474G>C on transcript NM_016729.3 (MANE Select); coding-DNA position 474, G replaced by C.
Protein change: p.Lys158Asn; replaces lysine 158 with asparagine.
Molecular consequence: missense variant.
Genome position (GRCh38, 1-based): chr11:72,195,728, G>C. VCF-style: chr11-72195728-G-C. GRCh37 (hg19) VCF-style: chr11-71906772-G-C.
Other names: c.474G>C, p.Lys158Asn (NM_000802.3, NM_016724.3, NM_016725.3); short protein forms K158N.
Identifiers: ClinVar variation 1390345 (VCV001390345.6), dbSNP rs750638602, ClinGen allele CA6169198.

ClinVar aggregate classification (germline): Uncertain significance (1 of 4 stars; one submission).

Conditions:
Cerebral folate transport deficiency. Also called: FOLATE RECEPTOR DEFICIENCY; NEURODEGENERATION DUE TO CEREBRAL FOLATE TRANSPORT DEFICIENCY; Neurodegenerative syndrome due to cerebral folate transport deficiency; FOLR1-Related Cerebral Folate Transport Deficiency; Cerebral folate deficiency syndrome. Identifiers: Orphanet 217382, MedGen C2751584, MONDO:0013110, OMIM 613068. Disease mechanism: loss of function.

Allele frequency attached by ClinVar (database versions not stated): gnomAD exomes below 0.00001; ExAC 0.00001; gnomAD 0.00001; TOPMed 0.00001.
gnomAD v4.1: 3 of 1,614,108 alleles (0.00019%); highest among the groups gnomAD compares: Non-Finnish European, 0.00025%; no homozygotes.

Submission:

Labcorp Genetics (formerly Invitae), Labcorp
Classification: Uncertain significance for Cerebral folate transport deficiency. Last evaluated: 2021-11-13. Review status: criteria provided, single submitter. Criteria: Invitae Variant Classification Sherloc (09022015). Collection method: clinical testing. Allele origin: germline.
Comment: In summary, the available evidence is currently insufficient to determine the role of this variant in disease. Therefore, it has been classified as a Variant of Uncertain Significance. Algorithms developed to predict the effect of missense changes on protein structure and function are either unavailable or do not agree on the potential impact of this missense change (SIFT: "Deleterious"; PolyPhen-2: "Benign"; Align-GVGD: "Class C0"). This variant has not been reported in the literature in individuals affected with FOLR1-related conditions. This variant is present in population databases (rs750638602, gnomAD 0.0009%). This sequence change replaces lysine, which is basic and polar, with asparagine, which is neutral and polar, at codon 158 of the FOLR1 protein (p.Lys158Asn).